The following is an entry in ClinVar:

ClinVar aggregate classification (germline): Uncertain significance. Review status: criteria provided, multiple submitters, no conflicts (2 of 4 stars). 3 submissions from 3 submitters: Uncertain significance (2). 1 of the submissions does not count toward it. Last evaluated 2025-10-26.

Conditions:
SEMA3E-related disorder. Also called: SEMA3E-related condition.
CHARGE syndrome (CHARGE). Also called: Coloboma, heart anomaly, choanal atresia, retardation, genital and ear anomalies; CHARGE association; Hall-Hittner syndrome; Hittner Hirsch Kreh syndrome; CHARGE ASSOCIATION--COLOBOMA, HEART ANOMALY, CHOANAL ATRESIA, RETARDATION, GENITAL AND EAR ANOMALIES. Identifiers: Orphanet 138, MedGen C0265354, MONDO:0008965.
Hypogonadotropic hypogonadism 7 with or without anosmia (HH7). Also called: GNRHR-Related GnRH Deficiency; HYPOGONADOTROPIC HYPOGONADISM 7 WITHOUT ANOSMIA. Identifiers: Orphanet 432, MedGen C0342384, MONDO:0007794, OMIM 146110.

Allele frequency attached by ClinVar (database versions not stated): gnomAD exomes below 0.00001; TOPMed 0.00002; gnomAD 0.00004.
gnomAD v4.1: 9 of 1,612,784 alleles (0.00056%); highest among the groups gnomAD compares: African/African-American, 0.008%; no homozygotes.

Submissions (3):

Labcorp Genetics (formerly Invitae), Labcorp
Classification: Uncertain significance for CHARGE syndrome. Last evaluated: 2025-10-26. Review status: criteria provided, single submitter. Criteria: Invitae Variant Classification Sherloc (09022015). Collection method: clinical testing. Allele origin: germline.
Comment: This sequence change replaces serine, which is neutral and polar, with asparagine, which is neutral and polar, at codon 348 of the SEMA3E protein (p.Ser348Asn). This variant is present in population databases (no rsID available, gnomAD 0.01%). This variant has not been reported in the literature in individuals affected with SEMA3E-related conditions. ClinVar contains an entry for this variant (Variation ID: 641084). Invitae Evidence Modeling of protein sequence and biophysical properties (such as structural, functional, and spatial information, amino acid conservation, physicochemical variation, residue mobility, and thermodynamic stability) indicates that this missense variant is not expected to disrupt SEMA3E protein function with a negative predictive value of 80%. In summary, the available evidence is currently insufficient to determine the role of this variant in disease. Therefore, it has been classified as a Variant of Uncertain Significance.

Fulgent Genetics
Classification: Uncertain significance for Hypogonadotropic hypogonadism 7 with or without anosmia; CHD7-related CHARGE syndrome. Last evaluated: 2022-04-27. Review status: criteria provided, single submitter. Criteria: ACMG Guidelines, 2015. Collection method: clinical testing. Allele origin: unknown.

PreventionGenetics, part of Exact Sciences
Classification: Uncertain significance for SEMA3E-related condition. Last evaluated: 2024-05-30. Review status: no assertion criteria provided. Collection method: clinical testing. Allele origin: germline. Not counted in ClinVar's aggregate classification.
Comment: The SEMA3E c.1043G>A variant is predicted to result in the amino acid substitution p.Ser348Asn. To our knowledge, this variant has not been reported in the literature. This variant is reported in 0.011% of alleles in individuals of African descent in gnomAD. At this time, the clinical significance of this variant is uncertain due to the absence of conclusive functional and genetic evidence.

NM_012431.3(SEMA3E):c.1043G>A (p.Ser348Asn)

Gene: SEMA3E (semaphorin 3E; minus strand). Cytogenetic location: 7q21.11.
Variant type: single nucleotide variant.
Coding change: c.1043G>A on transcript NM_012431.3 (MANE Select); coding-DNA position 1043, G replaced by A.
Protein change: p.Ser348Asn; replaces serine 348 with asparagine.
Molecular consequence: missense variant.
Genome position (GRCh38, 1-based): chr7:83,402,732, C>T on the plus strand (G>A on the coding strand, the complement: SEMA3E is on the minus strand). VCF-style: chr7-83402732-C-T. GRCh37 (hg19) VCF-style: chr7-83032048-C-T.
Other names: c.863G>A, p.Ser288Asn (NM_001178129.2); short protein forms S288N, S348N.
Identifiers: ClinVar variation 641084 (VCV000641084.12), dbSNP rs1293541067, ClinGen allele CA367929241.
Genomic context (GRCh38, chr7:83,402,732, plus strand): 5'-GACCAGTGGTATTCAGGTCCTTCCTTATGTGCATATGGTCCGTTGAAGGCTGCCCGAATG[C>T]TAGACATGTGATAGACACATATAGCATGCCCTCGAAAAATATTACTGAAAAATACAAAAA-3'
Protein context (NP_036563.1, residues 338-358): GHAICVYHMS[Ser348Asn]IRAAFNGPYA